The following is an entry in ClinVar:

NM_001080517.3(SETD5):c.439A>G (p.Thr147Ala)

Gene: SETD5 (SET domain containing 5; plus strand). Cytogenetic location: 3p25.3.
Variant type: single nucleotide variant.
Coding change: c.439A>G on transcript NM_001080517.3 (MANE Select); coding-DNA position 439, A replaced by G.
Protein change: p.Thr147Ala; replaces threonine 147 with alanine.
Molecular consequence: missense variant.
Genome position (GRCh38, 1-based): chr3:9,435,778, A>G. VCF-style: chr3-9435778-A-G. GRCh37 (hg19) VCF-style: chr3-9477462-A-G.
Other names: c.439A>G, p.Thr147Ala (NM_001437643.1, NM_001437701.1); c.106A>G, p.Thr36Ala (NM_001349451.2, NM_001292043.2); c.496A>G, p.Thr166Ala (NM_001437633.1, NM_001437635.1); short protein forms T166A, T36A, T147A.
Identifiers: ClinVar variation 4630626 (VCV004630626.3).

ClinVar aggregate classification (germline): Uncertain significance. Review status: criteria provided, multiple submitters, no conflicts (2 of 4 stars). 2 submissions from 2 submitters: Uncertain significance (2). Last evaluated 2026-06-01.

Conditions:
Inborn genetic diseases. Identifiers: MedGen C0950123, MeSH D030342.

Submissions (2):

CeGaT Center for Human Genetics Tuebingen
Classification: Uncertain significance. Last evaluated: 2026-06-01. Review status: criteria provided, single submitter. Criteria: CeGaT Center For Human Genetics Tuebingen Variant Classification Criteria Version 2. Collection method: clinical testing. Allele origin: germline. Affected: yes. Observed: 1 variant allele.
Comment: SETD5: PM2, PP2

Ambry Genetics
Classification: Uncertain significance for Inborn genetic diseases. Last evaluated: 2025-11-26. Review status: criteria provided, single submitter. Criteria: Ambry Variant Classification Scheme 2023. Collection method: clinical testing. Allele origin: germline.